The following is an entry in ClinVar:

NM_001112741.2(KCNC1):c.1592G>T (p.Gly531Val)

Gene: KCNC1 (potassium voltage-gated channel subfamily C member 1; plus strand). Cytogenetic location: 11p15.1.
Variant type: single nucleotide variant.
Coding change: c.1592G>T on transcript NM_001112741.2 (MANE Select); coding-DNA position 1592, G replaced by T.
Protein change: p.Gly531Val; replaces glycine 531 with valine.
Molecular consequence: missense variant.
Genome position (GRCh38, 1-based): chr11:17,779,543, G>T. VCF-style: chr11-17779543-G-T. GRCh37 (hg19) VCF-style: chr11-17801090-G-T.
Other names: short protein forms G531V.
Identifiers: ClinVar variation 5022945 (VCV005022945.1).

ClinVar aggregate classification (germline): Uncertain significance (1 of 4 stars; one submission).

Conditions:
Inborn genetic diseases. Identifiers: MedGen C0950123, MeSH D030342.

gnomAD v4.1: 3 of 1,551,516 alleles (0.00019%); highest among the groups gnomAD compares: Non-Finnish European, 0.00026%; no homozygotes.

Submission:

Ambry Genetics
Classification: Uncertain significance for Inborn genetic diseases. Last evaluated: 2026-07-19. Review status: criteria provided, single submitter. Criteria: Ambry Variant Classification Scheme 2023. Collection method: clinical testing. Allele origin: germline.
Comment: The c.1592G>T (p.G531V) alteration is located in exon 3 (coding exon 3) of the KCNC1 gene. This alteration results from a G to T substitution at nucleotide position 1592, causing the glycine (G) at amino acid position 531 to be replaced by a valine (V). Based on data from gnomAD, the T allele has an overall frequency of 0.001% (1/153892) total alleles studied. The highest observed frequency was 0.002% (1/59584) of European (non-Finnish) alleles. Based on insufficient or conflicting evidence, the clinical significance of this alteration remains unclear.